The following is an entry in ClinVar:

NM_053025.4(MYLK):c.1585C>G (p.Gln529Glu)

Gene: MYLK (myosin light chain kinase; minus strand). Cytogenetic location: 3q21.1.
Variant type: single nucleotide variant.
Coding change: c.1585C>G on transcript NM_053025.4 (MANE Select); coding-DNA position 1585, C replaced by G.
Protein change: p.Gln529Glu; replaces glutamine 529 with glutamic acid.
Molecular consequence: missense variant.
Genome position (GRCh38, 1-based): chr3:123,726,010, G>C on the plus strand (C>G on the coding strand, the complement: MYLK is on the minus strand). VCF-style: chr3-123726010-G-C. GRCh37 (hg19) VCF-style: chr3-123444857-G-C.
Other names: c.1057C>G, p.Gln353Glu (NM_001321309.2); c.1378C>G, p.Gln460Glu (NM_053026.4, NM_053028.4); c.1585C>G, p.Gln529Glu (NM_053027.4); short protein forms Q353E, Q529E, Q460E.
Identifiers: ClinVar variation 964300 (VCV000964300.9), dbSNP rs2062268617, ClinGen allele CA354235689.

ClinVar aggregate classification (germline): Uncertain significance (1 of 4 stars; one submission).

Conditions:
Aortic aneurysm, familial thoracic 7 (AAT7). Also called: AORTIC DISSECTION, FAMILIAL, WITH OR WITHOUT AORTIC ANEURYSM. Identifiers: MedGen C3151077, MONDO:0013418, OMIM 613780.

Submission:

Labcorp Genetics (formerly Invitae), Labcorp
Classification: Uncertain significance for Aortic aneurysm, familial thoracic 7. Last evaluated: 2019-09-17. Review status: criteria provided, single submitter. Criteria: Invitae Variant Classification Sherloc (09022015). Collection method: clinical testing. Allele origin: germline.
Comment: This variant has not been reported in the literature in individuals with MYLK-related conditions. In summary, the available evidence is currently insufficient to determine the role of this variant in disease. Therefore, it has been classified as a Variant of Uncertain Significance. Algorithms developed to predict the effect of missense changes on protein structure and function output the following: SIFT: "Deleterious"; PolyPhen-2: "Benign"; Align-GVGD: "Class C25". The glutamic acid amino acid residue is found in multiple mammalian species, suggesting that this missense change does not adversely affect protein function. These predictions have not been confirmed by published functional studies and their clinical significance is uncertain. This variant is not present in population databases (ExAC no frequency). This sequence change replaces glutamine with glutamic acid at codon 529 of the MYLK protein (p.Gln529Glu). The glutamine residue is highly conserved and there is a small physicochemical difference between glutamine and glutamic acid.